The following is an entry in ClinVar:

ClinVar aggregate classification (germline): Uncertain significance (1 of 4 stars; one submission).

Conditions:
Familial thoracic aortic aneurysm and aortic dissection (TAAD). Also called: Thoracic aortic aneurysms and dissections. Identifiers: Orphanet 91387, MedGen C4707243, MONDO:0019625.

Allele frequency attached by ClinVar (database versions not stated): TOPMed below 0.00001; ExAC 0.00001.
gnomAD v4.1: 1 of 1,614,096 alleles (0.000062%); no homozygotes.

Submission:

Ambry Genetics
Classification: Uncertain significance for Familial thoracic aortic aneurysm and aortic dissection. Last evaluated: 2020-07-08. Review status: criteria provided, single submitter. Criteria: Ambry Variant Classification Scheme 2023. Collection method: clinical testing. Allele origin: germline.
Comment: The p.G329D variant (also known as c.986G>A), located in coding exon 6 of the TGFB3 gene, results from a G to A substitution at nucleotide position 986. The glycine at codon 329 is replaced by aspartic acid, an amino acid with similar properties. This amino acid position is highly conserved in available vertebrate species. In addition, the in silico prediction for this alteration is inconclusive. Since supporting evidence is limited at this time, the clinical significance of this alteration remains unclear.

NM_003239.5(TGFB3):c.986G>A (p.Gly329Asp)

Gene: TGFB3 (transforming growth factor beta 3; minus strand). Cytogenetic location: 14q24.3.
Variant type: single nucleotide variant.
Coding change: c.986G>A on transcript NM_003239.5 (MANE Select); coding-DNA position 986, G replaced by A.
Protein change: p.Gly329Asp; replaces glycine 329 with aspartic acid.
Molecular consequence: missense variant.
Genome position (GRCh38, 1-based): chr14:75,961,017, C>T on the plus strand (G>A on the coding strand, the complement: TGFB3 is on the minus strand). VCF-style: chr14-75961017-C-T. GRCh37 (hg19) VCF-style: chr14-76427360-C-T.
Other names: c.986G>A, p.Gly329Asp (NM_001329939.2); short protein forms G329D.
Identifiers: ClinVar variation 1768451 (VCV001768451.2), dbSNP rs772698647, ClinGen allele CA7280286.